The following is an entry in ClinVar:

NM_000310.4(PPT1):c.537-4A>G

Gene: PPT1 (palmitoyl-protein thioesterase 1; minus strand). Cytogenetic location: 1p34.2.
Variant type: single nucleotide variant.
Coding change: c.537-4A>G on transcript NM_000310.4 (MANE Select); 4 bases into the intron before coding-DNA position 537, A replaced by G.
Molecular consequence: intron variant.
Genome position (GRCh38, 1-based): chr1:40,080,491, T>C on the plus strand (A>G on the coding strand, the complement: PPT1 is on the minus strand). VCF-style: chr1-40080491-T-C. GRCh37 (hg19) VCF-style: chr1-40546163-T-C.
Other names: c.228-4A>G (NM_001142604.2); c.537-4A>G (NM_001363695.2).
Identifiers: ClinVar variation 138791 (VCV000138791.8), dbSNP rs587781120, ClinGen allele CA292900.

ClinVar aggregate classification (germline): Benign/Likely benign. Review status: criteria provided, multiple submitters, no conflicts (2 of 4 stars). 2 submissions from 2 submitters: Benign (1); Likely benign (1). Last evaluated 2025-04-23.

Conditions:
Neuronal ceroid lipofuscinosis 1 (CLN1). Also called: CEROID LIPOFUSCINOSIS, NEURONAL, 1, VARIABLE AGE AT ONSET; PPT1-Related Neuronal Ceroid-Lipofuscinosis. Identifiers: Orphanet 228329, MedGen C1850451, MONDO:0009744, OMIM 256730.

Allele frequency attached by ClinVar (database versions not stated): gnomAD exomes below 0.00001; TOPMed below 0.00001; gnomAD 0.00001.
gnomAD v4.1: 2 of 1,612,154 alleles (0.00012%); highest among the groups gnomAD compares: Admixed American, 0.0033%; no homozygotes.

Submissions (2):

Labcorp Genetics (formerly Invitae), Labcorp
Classification: Likely benign for Neuronal ceroid lipofuscinosis 1. Last evaluated: 2025-04-23. Review status: criteria provided, single submitter. Criteria: Invitae Variant Classification Sherloc (09022015). Collection method: clinical testing. Allele origin: germline.

GeneDx
Classification: Benign. Last evaluated: 2014-06-02. Review status: criteria provided, single submitter. Criteria: GeneDx Variant Classification (06012015). Collection method: clinical testing. Allele origin: germline. Affected: yes.
Comment: This variant is considered likely benign or benign based on one or more of the following criteria: it is a conservative change, it occurs at a poorly conserved position in the protein, it is predicted to be benign by multiple in silico algorithms, and/or has population frequency not consistent with disease.